The following is an entry in ClinVar:

ClinVar aggregate classification (germline): Uncertain significance (1 of 4 stars; one submission).

Conditions:
Hereditary cancer-predisposing syndrome. Also called: Neoplastic Syndromes, Hereditary; Tumor predisposition; Hereditary Cancer Syndrome; Hereditary neoplastic syndrome. Identifiers: Orphanet 140162, MedGen C0027672, MeSH D009386, MONDO:0015356.

Submission:

Ambry Genetics
Classification: Uncertain significance for Hereditary cancer-predisposing syndrome. Last evaluated: 2025-11-10. Review status: criteria provided, single submitter. Criteria: Ambry Variant Classification Scheme 2023. Collection method: clinical testing. Allele origin: germline.
Comment: The p.S460A variant (also known as c.1378T>G), located in coding exon 6 of the BLM gene, results from a T to G substitution at nucleotide position 1378. The serine at codon 460 is replaced by alanine, an amino acid with similar properties. This amino acid position is conserved. In addition, this alteration is predicted to be tolerated by in silico analysis. Based on the available evidence, the clinical significance of this variant remains unclear.

NM_000057.4(BLM):c.1378T>G (p.Ser460Ala)

Gene: BLM (BLM RecQ like helicase; plus strand). Cytogenetic location: 15q26.1.
Variant type: single nucleotide variant.
Coding change: c.1378T>G on transcript NM_000057.4 (MANE Select); coding-DNA position 1378, T replaced by G.
Protein change: p.Ser460Ala; replaces serine 460 with alanine.
Molecular consequence: missense variant.
Genome position (GRCh38, 1-based): chr15:90,760,751, T>G. VCF-style: chr15-90760751-T-G. GRCh37 (hg19) VCF-style: chr15-91303981-T-G.
Other names: c.1378T>G, p.Ser460Ala (NM_001287246.2, NM_001287247.2); c.253T>G, p.Ser85Ala (NM_001287248.2); short protein forms S460A, S85A.
Identifiers: ClinVar variation 4622809 (VCV004622809.1).